The following is an entry in ClinVar:

ClinVar aggregate classification (germline): Uncertain significance. Review status: criteria provided, multiple submitters, no conflicts (2 of 4 stars). 2 submissions from 2 submitters: Uncertain significance (2). Last evaluated 2025-11-09.

Conditions:
CYP27A1-related disorder. Also called: CYP27A1-related condition.
Cholestanol storage disease (CTX). Also called: Cerebrotendinous Xanthomatosis; CTX: Cerebrotendinous xanthomatosis; CEREBRAL CHOLESTERINOSIS. Identifiers: Orphanet 909, MedGen C0238052, MONDO:0008948, OMIM 213700.

Allele frequency attached by ClinVar (database versions not stated): TOPMed below 0.00001; gnomAD exomes 0.00001 and 0.00002; ExAC 0.00004; gnomAD 0.00005; ESP Exome Variant Server 0.00008.
gnomAD v4.1: 19 of 1,613,662 alleles (0.0012%); highest among the groups gnomAD compares: Non-Finnish European, 0.0016%; no homozygotes.

Submissions (2):

PreventionGenetics, part of Exact Sciences
Classification: Uncertain significance for CYP27A1-related condition. Last evaluated: 2025-11-09. Review status: criteria provided, single submitter. Criteria: ACMG Guidelines, 2015. Collection method: clinical testing. Allele origin: germline.
Comment: The CYP27A1 c.1185-3C>A variant is predicted to interfere with splicing. This variant is predicted to impact splicing based on one available splicing prediction algorithm (SpliceAI, Jaganathan et al. 2019. PubMed ID: 30661751). To our knowledge, this variant has not been reported in the literature. This variant is reported in 0.0093% of alleles in individuals of European (Non-Finnish) descent in gnomAD. At this time, the clinical significance of this variant is uncertain due to the absence of conclusive functional and genetic evidence.

Labcorp Genetics (formerly Invitae), Labcorp
Classification: Uncertain significance for Cholestanol storage disease. Last evaluated: 2022-07-03. Review status: criteria provided, single submitter. Criteria: Invitae Variant Classification Sherloc (09022015). Collection method: clinical testing. Allele origin: germline.
Comment: This sequence change falls in intron 6 of the CYP27A1 gene. It does not directly change the encoded amino acid sequence of the CYP27A1 protein. It affects a nucleotide within the consensus splice site. This variant is present in population databases (rs373628198, gnomAD 0.009%). This variant has not been reported in the literature in individuals affected with CYP27A1-related conditions. ClinVar contains an entry for this variant (Variation ID: 1401339). Variants that disrupt the consensus splice site are a relatively common cause of aberrant splicing (PMID: 17576681, 9536098). Algorithms developed to predict the effect of sequence changes on RNA splicing suggest that this variant may disrupt the consensus splice site. In summary, the available evidence is currently insufficient to determine the role of this variant in disease. Therefore, it has been classified as a Variant of Uncertain Significance.

Literature cited by the submitters: PubMed 17576681 (cited by Labcorp Genetics (formerly Invitae), Labcorp); PubMed 9536098 (cited by Labcorp Genetics (formerly Invitae), Labcorp).

NM_000784.4(CYP27A1):c.1185-3C>A

Gene: CYP27A1 (cytochrome P450 family 27 subfamily A member 1; plus strand). Cytogenetic location: 2q35.
Variant type: single nucleotide variant.
Coding change: c.1185-3C>A on transcript NM_000784.4 (MANE Select); 3 bases into the intron before coding-DNA position 1185, C replaced by A.
Molecular consequence: intron variant.
Genome position (GRCh38, 1-based): chr2:218,814,377, C>A. VCF-style: chr2-218814377-C-A. GRCh37 (hg19) VCF-style: chr2-219679100-C-A.
Other names: c.1185-3C>A (NM_000784.3).
Identifiers: ClinVar variation 1401339 (VCV001401339.6), dbSNP rs373628198, ClinGen allele CA2112829.